The following is an entry in ClinVar:

ClinVar aggregate classification (germline): Uncertain significance (0 of 4 stars; one submission).

Conditions:
SDCCAG8-related disorder. Also called: SDCCAG8-Related Disorders; SDCCAG8-related condition.

Submission:

PreventionGenetics, part of Exact Sciences
Classification: Uncertain significance for SDCCAG8-related condition. Last evaluated: 2024-09-11. Review status: no assertion criteria provided. Collection method: clinical testing. Allele origin: germline.
Comment: The SDCCAG8 c.1969G>A variant is predicted to result in the amino acid substitution p.Glu657Lys. To our knowledge, this variant has not been reported in the literature. This variant is reported in 0.012% of alleles in individuals of African descent in gnomAD. At this time, the clinical significance of this variant is uncertain due to the absence of conclusive functional and genetic evidence.

NM_006642.5(SDCCAG8):c.1969G>A (p.Glu657Lys)

Gene: SDCCAG8 (SHH signaling and ciliogenesis regulator SDCCAG8; plus strand). Cytogenetic location: 1q43.
Variant type: single nucleotide variant.
Coding change: c.1969G>A on transcript NM_006642.5 (MANE Select); coding-DNA position 1969, G replaced by A.
Protein change: p.Glu657Lys; replaces glutamic acid 657 with lysine.
Molecular consequence: missense variant.
Genome position (GRCh38, 1-based): chr1:243,426,542, G>A. VCF-style: chr1-243426542-G-A. GRCh37 (hg19) VCF-style: chr1-243589844-G-A.
Other names: c.1066G>A, p.Glu356Lys (NM_001350246.2, NM_001350247.2, NM_001350251.2); c.2065G>A, p.Glu689Lys (NM_001350248.2); c.1675G>A, p.Glu559Lys (NM_001350249.2); short protein forms E356K, E559K, E657K, E689K.
Identifiers: ClinVar variation 3352375 (VCV003352375.1).